The following is an entry in ClinVar:

ClinVar aggregate classification (germline): Conflicting classifications of pathogenicity. Review status: criteria provided, conflicting classifications (1 of 4 stars). 11 submissions from 11 submitters: Likely pathogenic (1); Uncertain significance (6); Benign (1); Likely benign (3). Last evaluated 2026-08-03.

Conditions:
Tuberous sclerosis 2 (TSC2). Identifiers: Orphanet 805, MedGen C1860707, MONDO:0013199, OMIM 613254.
Lymphangiomyomatosis (LAM). Also called: Lymphangioleiomyomatosis; Lymphangioleiomyomatosis, somatic. Identifiers: Orphanet 538, MedGen C0751674, MONDO:0011705, OMIM 606690.
Isolated focal cortical dysplasia type II (FCORD2). Also called: Focal cortical dysplasia type II; CORTICAL DYSPLASIA OF TAYLOR. Identifiers: Orphanet 268994, MedGen C1846385, MONDO:0011818, OMIM 607341, HP:0032051.
TSC2-related disorder. Also called: TSC2-Related Disorders; TSC2-related condition.
Hereditary cancer-predisposing syndrome. Also called: Hereditary Cancer Syndrome; Neoplastic Syndromes, Hereditary; Tumor predisposition; Hereditary neoplastic syndrome. Identifiers: Orphanet 140162, MedGen C0027672, MeSH D009386, MONDO:0015356.
Tuberous sclerosis syndrome (TSC). Also called: Tuberous sclerosis; Tuberous Sclerosis Complex. Identifiers: Orphanet 805, MedGen C0041341, MONDO:0001734.
Autism spectrum disorder. Also called: Autism spectrum disorders. Identifiers: MedGen C1510586, MeSH D000067877, MONDO:0005258.

Allele frequency attached by ClinVar (database versions not stated): gnomAD 0.00001; gnomAD exomes 0.00001; TOPMed 0.00001.
gnomAD v4.1: 8 of 1,613,822 alleles (0.0005%); highest among the groups gnomAD compares: Admixed American, 0.0067%; no homozygotes.

Submissions (11):

PreventionGenetics, part of Exact Sciences
Classification: Likely benign for TSC2-related condition. Last evaluated: 2026-08-03. Review status: criteria provided, single submitter. Criteria: ACMG Guidelines, 2015. Collection method: clinical testing. Allele origin: germline.
Comment: This variant is classified as likely benign based on ACMG/AMP sequence variant interpretation guidelines (Richards et al. 2015 PMID: 25741868, with internal and published modifications).

Labcorp Genetics (formerly Invitae), Labcorp
Classification: Benign for Tuberous sclerosis 2. Last evaluated: 2026-02-01. Review status: criteria provided, single submitter. Criteria: Invitae Variant Classification Sherloc (09022015). Collection method: clinical testing. Allele origin: germline.

Fulgent Genetics
Classification: Uncertain significance for Lymphangiomyomatosis; Isolated focal cortical dysplasia type II; Tuberous sclerosis 2. Last evaluated: 2024-05-06. Review status: criteria provided, single submitter. Criteria: ACMG Guidelines, 2015. Collection method: clinical testing. Allele origin: germline.

Quest Diagnostics Nichols Institute San Juan Capistrano
Classification: Uncertain significance. Last evaluated: 2024-01-02. Review status: criteria provided, single submitter. Criteria: Quest Diagnostics criteria. Collection method: clinical testing. Allele origin: unknown.

All of Us Research Program, National Institutes of Health
Classification: Uncertain significance for Tuberous sclerosis syndrome. Last evaluated: 2023-08-15. Review status: criteria provided, single submitter. Criteria: ACMG Guidelines, 2015. Collection method: clinical testing. Allele origin: germline. Inheritance: Autosomal dominant inheritance. Observed: 2 variant alleles, 2 heterozygotes.
Comment: This missense variant replaces leucine with valine at codon 361 of the TSC2 protein. Computational prediction suggests that this variant may not impact protein structure and function (internally defined REVEL score threshold <= 0.5, PMID: 27666373). To our knowledge, functional studies have not been reported for this variant. This variant has not been reported in individuals affected with tuberous sclerosis complex in the literature. This variant has not been identified in the general population by the Genome Aggregation Database (gnomAD). The available evidence is insufficient to determine the role of this variant in disease conclusively. Therefore, this variant is classified as a Variant of Uncertain Significance.

This study involves interpretation of variants in research participants for the purpose of population health screening. Participant phenotype was not available at the time of variant classification. Additional details can be found in publication PMID: 35346344, PMCID: PMC8962531

Baylor Genetics
Classification: Uncertain significance for Isolated focal cortical dysplasia type II. Last evaluated: 2022-12-05. Review status: criteria provided, single submitter. Criteria: ACMG Guidelines, 2015. Collection method: clinical testing. Allele origin: unknown.

Ambry Genetics
Classification: Likely benign for Hereditary cancer-predisposing syndrome. Last evaluated: 2022-08-25. Review status: criteria provided, single submitter. Criteria: Ambry Variant Classification Scheme 2023. Collection method: clinical testing. Allele origin: germline.

Sema4
Classification: Uncertain significance for Hereditary cancer-predisposing syndrome. Last evaluated: 2021-11-24. Review status: criteria provided, single submitter. Criteria: Sema4 Curation Guidelines. Collection method: curation. Allele origin: germline.
Comment: To the best of our knowledge, the TSC2 c.1081C>G (p.L361V) variant has not been reported in individuals with TSC2-related cancer, though it has been reported in individuals with autism spectrum disorder and epilepsy/neurodevelopmental disorder (PMID: 30763456, 29655203). This variant is not reported in the population database Genome Aggregation Database (PMID: 32461654) but has been reported in ClinVar (Variation ID: 207710). Functional studies have not been performed, and in silico predictions of the variant's effect on protein function are inconclusive. Based on the current evidence available, this variant is interpreted as a variant of uncertain significance.

Genome-Nilou Lab
Classification: Uncertain significance for Tuberous sclerosis 2. Last evaluated: 2021-11-07. Review status: criteria provided, single submitter. Criteria: ACMG Guidelines, 2015. Collection method: clinical testing. Allele origin: germline. Affected: no.

GeneDx
Classification: Likely benign. Last evaluated: 2020-03-20. Review status: criteria provided, single submitter. Criteria: GeneDx Variant Classification Process June 2021. Collection method: clinical testing. Allele origin: germline. Affected: yes.
Comment: In silico analysis supports that this missense variant does not alter protein structure/function; Observed in at least one heterozygous clinically unaffected adult relative of an individual referred for genetic testing at GeneDx and in an adult individual in published literature (Zhou et al., 2019); This variant is associated with the following publications: (PMID: 29655203, 30763456, 31623367)

Liping Wei Laboratory, Peking University
Classification: Likely pathogenic for Autism spectrum disorder. Last evaluated: 2018-08-01. Review status: criteria provided, single submitter. Criteria: Zhou et al. (Hum Mutat. 2019). Collection method: research. Allele origin: maternal. Affected: yes. Observed: 1 variant allele.

Literature cited by the submitters: PubMed 31623367 (cited by Quest Diagnostics Nichols Institute San Juan Capistrano and Ambry Genetics); PubMed 30763456 (cited by 3 submitters); PubMed 29655203 (cited by 3 submitters); PubMed 31484976 (cited by Quest Diagnostics Nichols Institute San Juan Capistrano).

NM_000548.5(TSC2):c.1081C>G (p.Leu361Val)

Gene: TSC2 (TSC complex subunit 2; plus strand). Cytogenetic location: 16p13.3.
Variant type: single nucleotide variant.
Coding change: c.1081C>G on transcript NM_000548.5 (MANE Select); coding-DNA position 1081, C replaced by G.
Protein change: p.Leu361Val; replaces leucine 361 with valine.
Molecular consequence: missense variant.
Genome position (GRCh38, 1-based): chr16:2,060,775, C>G. VCF-style: chr16-2060775-C-G. GRCh37 (hg19) VCF-style: chr16-2110776-C-G.
Other names: p.L361V:CTG>GTG; c.1081C>G, p.Leu361Val (NM_001077183.3, NM_001114382.3, NM_001363528.2 and 3 more transcripts); c.970C>G, p.Leu324Val (NM_001318827.2); c.934C>G, p.Leu312Val (NM_001318829.2); c.481C>G, p.Leu161Val (NM_001318831.2); c.1114C>G, p.Leu372Val (NM_001318832.2); short protein forms L361V, L161V, L372V, L312V, L324V.
Identifiers: ClinVar variation 207710 (VCV000207710.25), dbSNP rs796053483, ClinGen allele CA319427.
Genomic context (GRCh38, chr16:2,060,775, plus strand): 5'-TCCATCACCAGGCTCATCAAGAAGTATAGGAAGGAGCTCCAGGTGGTGGCGTGGGACATT[C>G]TGCTGAACATCATCGAACGGCTCCTTCAGCAGCTCCAGGTGGGGTGGGGGCAGGAGCTCC-3'
Protein context (NP_000539.2, residues 351-371): KELQVVAWDI[Leu361Val]LNIIERLLQQ